The following is an entry in ClinVar:

ClinVar aggregate classification (germline): Likely benign. Review status: criteria provided, multiple submitters, no conflicts (2 of 4 stars). 2 submissions from 2 submitters: Likely benign (2). Last evaluated 2026-01-24.

Conditions:
Progressive sclerosing poliodystrophy (MTDPS4A). Also called: Alpers-Huttenlocher Syndrome (AHS); Alpers Syndrome; ALPERS PROGRESSIVE INFANTILE POLIODYSTROPHY; Mitochondrial DNA depletion syndrome 4A (Alpers type); ALPERS DIFFUSE DEGENERATION OF CEREBRAL GRAY MATTER WITH HEPATIC CIRRHOSIS; Alpers-Huttenlocher Syndrome. Identifiers: Orphanet 726, MedGen C0205710, MONDO:0008758, OMIM 203700.

Allele frequency attached by ClinVar (database versions not stated): gnomAD exomes below 0.00001 and 0.00002; TOPMed 0.00002; ExAC 0.00003; gnomAD 0.00004 and 0.00005; ESP Exome Variant Server 0.00008.

Submissions (2):

Labcorp Genetics (formerly Invitae), Labcorp
Classification: Likely benign for Progressive sclerosing poliodystrophy. Last evaluated: 2026-01-24. Review status: criteria provided, single submitter. Criteria: Invitae Variant Classification Sherloc (09022015). Collection method: clinical testing. Allele origin: germline.

Wong Mito Lab, Molecular and Human Genetics, Baylor College of Medicine
Classification: Likely benign for Progressive sclerosing poliodystrophy. Last evaluated: 2018-10-01. Review status: criteria provided, single submitter. Criteria: ACMG Guidelines, 2015. Collection method: clinical testing. Allele origin: germline.
Comment: The NM_002693.2:c.753T>A (NP_002684.1:p.Thr251=) [GRCH38: NC_000015.10:g.89330183A>T] variant in POLG gene is interpretated to be a Likely Benign based on ACMG guidelines (PMID: 25741868). This variant meets the following evidence codes reported in the ACMG-guideline. BP4:Computational evidence/predictors indicate no impact on the POLG structure, function, or protein-protein interaction. BP7:The variant is silent with non predicted splice impact. Based on the evidence criteria codes applied, the variant is suggested to be Likely Benign.

NM_002693.3(POLG):c.753T>A (p.Thr251=)

Gene: POLG (DNA polymerase gamma, catalytic subunit; minus strand). Cytogenetic location: 15q26.1.
Variant type: single nucleotide variant.
Coding change: c.753T>A on transcript NM_002693.3 (MANE Select); coding-DNA position 753, T replaced by A.
Protein change: p.Thr251=; no amino-acid change (threonine 251 retained).
Molecular consequence: synonymous variant.
Genome position (GRCh38, 1-based): chr15:89,330,183, A>T on the plus strand (T>A on the coding strand, the complement: POLG is on the minus strand). VCF-style: chr15-89330183-A-T. GRCh37 (hg19) VCF-style: chr15-89873414-A-T.
Other names: c.753T>A, p.Thr251= (NM_001126131.2).
Identifiers: ClinVar variation 619485 (VCV000619485.6), dbSNP rs148099686, ClinGen allele CA7725048.